The following is an entry in ClinVar:

ClinVar aggregate classification (germline): Uncertain significance (1 of 4 stars; one submission).

Submission:

Labcorp Genetics (formerly Invitae), Labcorp
Classification: Uncertain significance. Last evaluated: 2025-02-20. Review status: criteria provided, single submitter. Criteria: Invitae Variant Classification Sherloc (09022015). Collection method: clinical testing. Allele origin: germline.
Comment: This sequence change replaces glutamine, which is neutral and polar, with histidine, which is basic and polar, at codon 293 of the RFWD3 protein (p.Gln293His). This variant is not present in population databases (gnomAD no frequency). This variant has not been reported in the literature in individuals affected with RFWD3-related conditions. An algorithm developed to predict the effect of missense changes on protein structure and function outputs the following: PolyPhen-2: "Benign". The histidine amino acid residue is found in multiple mammalian species, which suggests that this missense change does not adversely affect protein function. In summary, the available evidence is currently insufficient to determine the role of this variant in disease. Therefore, it has been classified as a Variant of Uncertain Significance.

NM_018124.4(RFWD3):c.879G>T (p.Gln293His)

Gene: RFWD3 (ring finger and WD repeat domain 3; minus strand). Cytogenetic location: 16q23.1.
Variant type: single nucleotide variant.
Coding change: c.879G>T on transcript NM_018124.4 (MANE Select); coding-DNA position 879, G replaced by T.
Protein change: p.Gln293His; replaces glutamine 293 with histidine.
Molecular consequence: missense variant.
Genome position (GRCh38, 1-based): chr16:74,644,649, C>A on the plus strand (G>T on the coding strand, the complement: RFWD3 is on the minus strand). VCF-style: chr16-74644649-C-A. GRCh37 (hg19) VCF-style: chr16-74678547-C-A.
Other names: c.879G>T, p.Gln293His (NM_001370534.1, NM_001370535.1, NM_001370536.1); c.45G>T, p.Gln15His (NM_001370537.1, NM_001370539.1, NM_001370540.1 and 2 more transcripts); short protein forms Q15H, Q293H.
Identifiers: ClinVar variation 4711199 (VCV004711199.1).
Genomic context (GRCh38, chr16:74,644,649, plus strand): 5'-ATACCCAAAGAGATGCCCACAGCGTAATGCTGAGAGCCGGTGGTCCCCAGCATTGGTCCA[C>A]TGTTCCAGACATATTGTACAAGTGTCCCCTTCTTCCTCATCCATAGAAGCAGAAGGTAGC-3'
Protein context (NP_060594.3, residues 283-303): EGDTCTICLE[Gln293His]WTNAGDHRLS